The following is an entry in ClinVar:

NM_017780.4(CHD7):c.692G>C (p.Gly231Ala)

Gene: CHD7 (chromodomain helicase DNA binding protein 7; plus strand). Cytogenetic location: 8q12.2.
Variant type: single nucleotide variant.
Coding change: c.692G>C on transcript NM_017780.4 (MANE Select); coding-DNA position 692, G replaced by C.
Protein change: p.Gly231Ala; replaces glycine 231 with alanine.
Molecular consequence: missense variant.
Genome position (GRCh38, 1-based): chr8:60,742,124, G>C. VCF-style: chr8-60742124-G-C. GRCh37 (hg19) VCF-style: chr8-61654683-G-C.
Other names: c.692G>C, p.Gly231Ala (NM_001316690.1); short protein forms G231A.
Identifiers: ClinVar variation 2708401 (VCV002708401.3), dbSNP rs892533813, ClinGen allele CA177312910.
Genomic context (GRCh38, chr8:60,742,124, plus strand): 5'-GCCAGTTTTCCCAAGGCCAAGAGGGCCTCAATCAGGGAAATCCTTTTATTGCCACCTCAG[G>C]ACCTGGCCACTTGTCCCACGTGCCCCAGCAGAGTCCCAGCATGGCACCTTCCTTGCGTCA-3'
Protein context (NP_060250.2, residues 221-241): NQGNPFIATS[Gly231Ala]PGHLSHVPQQ

ClinVar aggregate classification (germline): Uncertain significance (1 of 4 stars; one submission).

Conditions:
CHARGE syndrome (CHARGE). Also called: Hittner Hirsch Kreh syndrome; CHARGE ASSOCIATION--COLOBOMA, HEART ANOMALY, CHOANAL ATRESIA, RETARDATION, GENITAL AND EAR ANOMALIES; Coloboma, heart anomaly, choanal atresia, retardation, genital and ear anomalies; CHARGE association; Hall-Hittner syndrome. Identifiers: Orphanet 138, MedGen C0265354, MONDO:0008965.

Allele frequency attached by ClinVar (database versions not stated): TOPMed below 0.00001; gnomAD 0.00001.
gnomAD v4.1: 1 of 1,613,768 alleles (0.000062%); highest among the groups gnomAD compares: African/African-American, 0.0013%; no homozygotes.

Submission:

Labcorp Genetics (formerly Invitae), Labcorp
Classification: Uncertain significance for CHARGE syndrome. Last evaluated: 2024-02-06. Review status: criteria provided, single submitter. Criteria: Invitae Variant Classification Sherloc (09022015). Collection method: clinical testing. Allele origin: germline.
Comment: This sequence change replaces glycine, which is neutral and non-polar, with alanine, which is neutral and non-polar, at codon 231 of the CHD7 protein (p.Gly231Ala). This variant is not present in population databases (gnomAD no frequency). This variant has not been reported in the literature in individuals affected with CHD7-related conditions. Advanced modeling of protein sequence and biophysical properties (such as structural, functional, and spatial information, amino acid conservation, physicochemical variation, residue mobility, and thermodynamic stability) performed at Invitae indicates that this missense variant is not expected to disrupt CHD7 protein function with a negative predictive value of 95%. In summary, the available evidence is currently insufficient to determine the role of this variant in disease. Therefore, it has been classified as a Variant of Uncertain Significance.